The following is an entry in ClinVar:

NM_019066.5(MAGEL2):c.1769C>T (p.Pro590Leu)

Gene: MAGEL2 (MAGE family member L2; minus strand). Cytogenetic location: 15q11.2.
Variant type: single nucleotide variant.
Coding change: c.1769C>T on transcript NM_019066.5 (MANE Select); coding-DNA position 1769, C replaced by T.
Protein change: p.Pro590Leu; replaces proline 590 with leucine.
Molecular consequence: missense variant.
Genome position (GRCh38, 1-based): chr15:23,645,974, G>A on the plus strand (C>T on the coding strand, the complement: MAGEL2 is on the minus strand). VCF-style: chr15-23645974-G-A. GRCh37 (hg19) VCF-style: chr15-23891121-G-A.
Other names: short protein forms P590L.
Identifiers: ClinVar variation 3366245 (VCV003366245.1).

ClinVar aggregate classification (germline): Uncertain significance (1 of 4 stars; one submission).

Submission:

GeneDx
Classification: Uncertain significance. Last evaluated: 2023-10-19. Review status: criteria provided, single submitter. Criteria: GeneDx Variant Classification Process June 2021. Collection method: clinical testing. Allele origin: germline. Affected: yes.
Comment: Not observed at significant frequency in large population cohorts (gnomAD); In silico analysis supports that this missense variant has a deleterious effect on protein structure/function; Has not been previously published as pathogenic or benign to our knowledge